The following is an entry in ClinVar:

ClinVar aggregate classification (germline): Uncertain significance (1 of 4 stars; one submission).

Conditions:
Dilated cardiomyopathy 1G (CMD1G). Identifiers: Orphanet 154, MedGen C1858763, MONDO:0011400, OMIM 604145.

Allele frequency attached by ClinVar (database versions not stated): gnomAD exomes below 0.00001; TOPMed below 0.00001; gnomAD 0.00001.
gnomAD v4.1: 3 of 1,613,358 alleles (0.00019%); highest among the groups gnomAD compares: Non-Finnish European, 0.00017%; no homozygotes.

Submission:

Baylor Genetics
Classification: Uncertain significance for Dilated cardiomyopathy 1G. Last evaluated: 2020-06-11. Review status: criteria provided, single submitter. Criteria: ACMG Guidelines, 2015. Collection method: clinical testing. Allele origin: unknown. Affected: yes.
Comment: This variant was determined to be of uncertain significance according to ACMG Guidelines, 2015 [PMID:25741868].

NM_001267550.2(TTN):c.73416A>C (p.Lys24472Asn)

Genes: TTN-AS1 (TTN antisense RNA 1; plus strand), TTN (titin; minus strand). Cytogenetic location: 2q31.2.
Variant type: single nucleotide variant.
Coding change: c.73416A>C on transcript NM_001267550.2 (MANE Select); coding-DNA position 73416, A replaced by C.
Protein change: p.Lys24472Asn; replaces lysine 24472 with asparagine.
Molecular consequence: missense variant.
Genome position (GRCh38, 1-based): chr2:178,572,716, T>G on the plus strand (A>C on the coding strand, the complement: TTN is on the minus strand). VCF-style: chr2-178572716-T-G. GRCh37 (hg19) VCF-style: chr2-179437443-T-G.
Other names: c.68493A>C, p.Lys22831Asn (NM_001256850.1); c.46221A>C, p.Lys15407Asn (NM_003319.4); c.65712A>C, p.Lys21904Asn (NM_133378.4); c.46596A>C, p.Lys15532Asn (NM_133432.3); c.46797A>C, p.Lys15599Asn (NM_133437.4); short protein forms K15407N, K15599N, K24472N, K15532N, K21904N, K22831N.
Identifiers: ClinVar variation 1031114 (VCV001031114.1), dbSNP rs1239070012, ClinGen allele CA349642245.